The following is an entry in ClinVar:

ClinVar aggregate classification (germline): Uncertain significance. Review status: criteria provided, multiple submitters, no conflicts (2 of 4 stars). 3 submissions from 3 submitters: Uncertain significance (3). Last evaluated 2025-04-01.

Conditions:
Inborn genetic diseases. Identifiers: MedGen C0950123, MeSH D030342.
Landau-Kleffner syndrome (FESD). Also called: EPILEPSY, FOCAL, WITH SPEECH DISORDER AND WITH OR WITHOUT MENTAL RETARDATION; APHASIA, ACQUIRED, WITH EPILEPSY. Identifiers: Orphanet 1945, Orphanet 725, Orphanet 98818, MedGen C0282512, MONDO:0009509, OMIM 245570.

Allele frequency attached by ClinVar (database versions not stated): TOPMed below 0.00001; ExAC 0.00001; gnomAD 0.00001; gnomAD exomes 0.00001.
gnomAD v4.1: 5 of 1,613,156 alleles (0.00031%); highest among the groups gnomAD compares: Admixed American, 0.005%; no homozygotes.

Submissions (3):

Ambry Genetics
Classification: Uncertain significance for Inborn genetic diseases. Last evaluated: 2025-04-01. Review status: criteria provided, single submitter. Criteria: Ambry Variant Classification Scheme 2023. Collection method: clinical testing. Allele origin: germline.

GeneDx
Classification: Uncertain significance. Last evaluated: 2025-02-05. Review status: criteria provided, single submitter. Criteria: GeneDx Variant Classification Process June 2021. Collection method: clinical testing. Allele origin: germline. Affected: yes.
Comment: In silico analysis supports that this missense variant has a deleterious effect on protein structure/function; Has not been previously published as pathogenic or benign to our knowledge

Labcorp Genetics (formerly Invitae), Labcorp
Classification: Uncertain significance for Landau-Kleffner syndrome. Last evaluated: 2022-11-24. Review status: criteria provided, single submitter. Criteria: Invitae Variant Classification Sherloc (09022015). Collection method: clinical testing. Allele origin: germline.
Comment: In summary, the available evidence is currently insufficient to determine the role of this variant in disease. Therefore, it has been classified as a Variant of Uncertain Significance. Advanced modeling of protein sequence and biophysical properties (such as structural, functional, and spatial information, amino acid conservation, physicochemical variation, residue mobility, and thermodynamic stability) performed at Invitae indicates that this missense variant is expected to disrupt GRIN2A protein function. ClinVar contains an entry for this variant (Variation ID: 589363). This variant has not been reported in the literature in individuals affected with GRIN2A-related conditions. This variant is present in population databases (rs777029084, gnomAD 0.006%). This sequence change replaces serine, which is neutral and polar, with glycine, which is neutral and non-polar, at codon 580 of the GRIN2A protein (p.Ser580Gly).

NM_001134407.3(GRIN2A):c.1738A>G (p.Ser580Gly)

Gene: GRIN2A (glutamate ionotropic receptor NMDA type subunit 2A; minus strand). Cytogenetic location: 16p13.2.
Variant type: single nucleotide variant.
Coding change: c.1738A>G on transcript NM_001134407.3 (MANE Select); coding-DNA position 1738, A replaced by G.
Protein change: p.Ser580Gly; replaces serine 580 with glycine.
Molecular consequence: missense variant.
Genome position (GRCh38, 1-based): chr16:9,834,144, T>C on the plus strand (A>G on the coding strand, the complement: GRIN2A is on the minus strand). VCF-style: chr16-9834144-T-C. GRCh37 (hg19) VCF-style: chr16-9928001-T-C.
Other names: c.1738A>G, p.Ser580Gly (NM_000833.5, NM_001134408.2); short protein forms S580G.
Identifiers: ClinVar variation 589363 (VCV000589363.12), dbSNP rs777029084, ClinGen allele CA7896646.